The following is an entry in ClinVar:

NM_006445.4(PRPF8):c.809A>G (p.Asn270Ser)

Gene: PRPF8 (pre-mRNA processing factor 8; minus strand). Cytogenetic location: 17p13.3.
Variant type: single nucleotide variant.
Coding change: c.809A>G on transcript NM_006445.4 (MANE Select); coding-DNA position 809, A replaced by G.
Protein change: p.Asn270Ser; replaces asparagine 270 with serine.
Molecular consequence: missense variant.
Genome position (GRCh38, 1-based): chr17:1,681,535, T>C on the plus strand (A>G on the coding strand, the complement: PRPF8 is on the minus strand). VCF-style: chr17-1681535-T-C. GRCh37 (hg19) VCF-style: chr17-1584829-T-C.
Other names: short protein forms N270S.
Identifiers: ClinVar variation 930404 (VCV000930404.3), dbSNP rs756656471, ClinGen allele CA8272544.

ClinVar aggregate classification (germline): Uncertain significance (1 of 4 stars; one submission).

Conditions:
Retinitis pigmentosa 13 (RP13). Also called: PRPF 8-Related Retinitis Pigmentosa. Identifiers: Orphanet 791, MedGen C1838702, MONDO:0010806, OMIM 600059.

Allele frequency attached by ClinVar (database versions not stated): gnomAD exomes below 0.00001; TOPMed below 0.00001; ExAC 0.00001.

Submission:

Centre for Mendelian Genomics, University Medical Centre Ljubljana
Classification: Uncertain significance for Retinitis pigmentosa 13. Last evaluated: 2016-01-01. Review status: criteria provided, single submitter. Criteria: ACMG Guidelines, 2015. Collection method: clinical testing. Allele origin: unknown. Affected: yes.
Comment: This variant was classified as: Uncertain significance. The following ACMG criteria were applied in classifying this variant: PP3,PP4.